The following is an entry in ClinVar:

NM_007272.3(CTRC):c.576_588del (p.Trp191_Trp192insTer)

Gene: CTRC (chymotrypsin C; plus strand). Cytogenetic location: 1p36.21.
Variant type: Deletion.
Coding change: c.576_588del on transcript NM_007272.3 (MANE Select); coding-DNA positions 576 to 588, 13 bases deleted (GGGCTTCAGGGTG).
Protein change: p.Trp191_Trp192insTer.
Molecular consequence: nonsense.
Genome position (GRCh38, 1-based): chr1:15,444,688-15,444,700, GGGCTTCAGGGTG deleted; deleting any 13 consecutive bases within chr1:15,444,684-15,444,700 gives the same sequence; the c. name uses the placement nearest the transcript's 3' end. VCF-style (leftmost placement, unchanged base first): chr1-15444683-TGGTGGGGCTTCAG-T. GRCh37 (hg19) VCF-style: chr1-15771178-TGGTGGGGCTTCAG-T.
Identifiers: ClinVar variation 1749479 (VCV001749479.3), dbSNP rs753459089, ClinGen allele CA613387.

ClinVar aggregate classification (germline): Pathogenic (1 of 4 stars; one submission).

Conditions:
Hereditary pancreatitis (PCTT). Also called: Hereditary chronic pancreatitis; PRSS1-Related Hereditary Pancreatitis. Identifiers: Orphanet 676, MedGen C0238339, MONDO:0008185, OMIM 167800.

Submission:

Ambry Genetics
Classification: Pathogenic for Hereditary pancreatitis. Last evaluated: 2024-08-19. Review status: criteria provided, single submitter. Criteria: Ambry Variant Classification Scheme 2023. Collection method: clinical testing. Allele origin: germline.
Comment: The c.576_588del13 pathogenic mutation, located in coding exon 6 of the CTRC gene, results from a deletion of 13 nucleotides at nucleotide positions 576 to 588, causing a translational frameshift with a predicted alternate stop codon (p.W192*). This alteration is expected to result in loss of function by premature protein truncation or nonsense-mediated mRNA decay. As such, this alteration is interpreted as a disease-causing mutation.